The following is an entry in ClinVar:

NM_199420.4(POLQ):c.2765C>T (p.Thr922Ile)

Gene: POLQ (DNA polymerase theta; minus strand). Cytogenetic location: 3q13.33.
Variant type: single nucleotide variant.
Coding change: c.2765C>T on transcript NM_199420.4 (MANE Select); coding-DNA position 2765, C replaced by T.
Protein change: p.Thr922Ile; replaces threonine 922 with isoleucine.
Molecular consequence: missense variant.
Genome position (GRCh38, 1-based): chr3:121,490,166, G>A on the plus strand (C>T on the coding strand, the complement: POLQ is on the minus strand). VCF-style: chr3-121490166-G-A. GRCh37 (hg19) VCF-style: chr3-121209013-G-A.
Other names: short protein forms T922I.
Identifiers: ClinVar variation 3229895 (VCV003229895.1), dbSNP rs911075053, ClinGen allele CA81836832.
Genomic context (GRCh38, chr3:121,490,166, plus strand): 5'-GTGTTACTTTTGTTCTTTGATGTTAATTTTTTATAAGAACTCTTAGTTTGGGATATAAAT[G>A]TGTGTTCCTTTACTTCGGACTCACTATGAGTCAATGAGCATGTACTAGAATGTAACAGGG-3'
Protein context (NP_955452.3, residues 912-932): THSESEVKEH[Thr922Ile]FISQTKSSYK

ClinVar aggregate classification (germline): Uncertain significance (1 of 4 stars; one submission).

Allele frequency attached by ClinVar (database versions not stated): TOPMed below 0.00001; gnomAD 0.00001.
gnomAD v4.1: 1 of 1,611,148 alleles (0.000062%); highest among the groups gnomAD compares: African/African-American, 0.0013%; no homozygotes.

Submission:

Ambry Genetics
Classification: Uncertain significance. Last evaluated: 2023-12-01. Review status: criteria provided, single submitter. Criteria: Ambry Variant Classification Scheme 2023. Collection method: clinical testing. Allele origin: germline.
Comment: The p.T922I variant (also known as c.2765C>T), located in coding exon 16 of the POLQ gene, results from a C to T substitution at nucleotide position 2765. The threonine at codon 922 is replaced by isoleucine, an amino acid with similar properties. This amino acid position is conserved. In addition, this alteration is predicted to be tolerated by in silico analysis. Since supporting evidence is limited at this time, the clinical significance of this alteration remains unclear.